The following is an entry in ClinVar:

ClinVar aggregate classification (germline): Uncertain significance (1 of 4 stars; one submission).

Submission:

Labcorp Genetics (formerly Invitae), Labcorp
Classification: Uncertain significance. Last evaluated: 2022-06-11. Review status: criteria provided, single submitter. Criteria: Invitae Variant Classification Sherloc (09022015). Collection method: clinical testing. Allele origin: germline.
Comment: In summary, the available evidence is currently insufficient to determine the role of this variant in disease. Therefore, it has been classified as a Variant of Uncertain Significance. Advanced modeling of protein sequence and biophysical properties (such as structural, functional, and spatial information, amino acid conservation, physicochemical variation, residue mobility, and thermodynamic stability) performed at Invitae indicates that this missense variant is not expected to disrupt COL7A1 protein function. This variant has not been reported in the literature in individuals affected with COL7A1-related conditions. This variant is not present in population databases (gnomAD no frequency). This sequence change replaces leucine, which is neutral and non-polar, with proline, which is neutral and non-polar, at codon 5 of the COL7A1 protein (p.Leu5Pro).

NM_000094.4(COL7A1):c.14T>C (p.Leu5Pro)

Gene: COL7A1 (collagen type VII alpha 1 chain; minus strand). Cytogenetic location: 3p21.31.
Variant type: single nucleotide variant.
Coding change: c.14T>C on transcript NM_000094.4 (MANE Select); coding-DNA position 14, T replaced by C.
Protein change: p.Leu5Pro; replaces leucine 5 with proline.
Molecular consequence: missense variant.
Genome position (GRCh38, 1-based): chr3:48,595,146, A>G on the plus strand (T>C on the coding strand, the complement: COL7A1 is on the minus strand). VCF-style: chr3-48595146-A-G. GRCh37 (hg19) VCF-style: chr3-48632579-A-G.
Other names: short protein forms L5P.
Identifiers: ClinVar variation 2004855 (VCV002004855.4), dbSNP rs2531378635, ClinGen allele CA352750634.
Genomic context (GRCh38, chr3:48,595,146, plus strand): 5'-TGCTGGGCTCGCACTCGGGGCGCCTCTGCCAGGATCCCGGCGCAGAGCGCGGCCACCAGA[A>G]GCCGCAGCGTCATCCTAGGCAGTAAAAGCCGTCAGCTAGGACCCCCGCCTCTGTCCCTTG-3'
Protein context (NP_000085.1, residues 1-15): MTLR[Leu5Pro]LVAALCAGIL